The following is an entry in ClinVar:

NM_000553.6(WRN):c.2718_2723del (p.Cys908_Arg909del)

Gene: WRN (WRN RecQ like helicase; plus strand). Cytogenetic location: 8p12.
Variant type: Deletion.
Coding change: c.2718_2723del on transcript NM_000553.6 (MANE Select); coding-DNA positions 2718 to 2723, 6 bases deleted (CAGATG; older notation c.2718_2723delCAGATG).
Protein change: p.Cys908_Arg909del.
Molecular consequence: inframe deletion.
Genome position (GRCh38, 1-based): chr8:31,124,609-31,124,614, CAGATG deleted; deleting any 6 consecutive bases within chr8:31,124,608-31,124,614 gives the same sequence; the c. name uses the placement nearest the transcript's 3' end. VCF-style (leftmost placement, unchanged base first): chr8-31124607-AGCAGAT-A. GRCh37 (hg19) VCF-style: chr8-30982123-AGCAGAT-A.
Identifiers: ClinVar variation 1399251 (VCV001399251.6), dbSNP rs2130343046, ClinGen allele CA2573142669.

ClinVar aggregate classification (germline): Uncertain significance (1 of 4 stars; one submission).

Conditions:
Werner syndrome (WRN). Identifiers: Orphanet 902, MedGen C0043119, MONDO:0010196, OMIM 277700.

Submission:

Labcorp Genetics (formerly Invitae), Labcorp
Classification: Uncertain significance for Werner syndrome. Last evaluated: 2021-11-29. Review status: criteria provided, single submitter. Criteria: Invitae Variant Classification Sherloc (09022015). Collection method: clinical testing. Allele origin: germline.
Comment: In summary, the available evidence is currently insufficient to determine the role of this variant in disease. Therefore, it has been classified as a Variant of Uncertain Significance. Algorithms developed to predict the effect of sequence changes on RNA splicing suggest that this variant may create or strengthen a splice site. This variant has not been reported in the literature in individuals affected with WRN-related conditions. This variant is not present in population databases (gnomAD no frequency). This variant, c.2718_2723del, results in the deletion of 2 amino acid(s) of the WRN protein (p.Cys908_Arg909del), but otherwise preserves the integrity of the reading frame.